The following is an entry in ClinVar:

ClinVar aggregate classification (germline): Uncertain significance (1 of 4 stars; one submission).

Conditions:
Inborn genetic diseases. Identifiers: MedGen C0950123, MeSH D030342.

Submission:

Ambry Genetics
Classification: Uncertain significance for Inborn genetic diseases. Last evaluated: 2026-09-11. Review status: criteria provided, single submitter. Criteria: Ambry Variant Classification Scheme 2023. Collection method: clinical testing. Allele origin: germline.
Comment: The p.R296G variant (also known as c.886A>G), located in coding exon 10 of the FANCA gene, results from an A to G substitution at nucleotide position 886. The arginine at codon 296 is replaced by glycine, an amino acid with dissimilar properties. This amino acid position is conserved. In addition, this alteration is predicted to be tolerated by in silico analysis. Based on the available evidence, the clinical significance of this variant remains unclear.

NM_000135.4(FANCA):c.886A>G (p.Arg296Gly)

Gene: FANCA (FA complementation group A; minus strand). Cytogenetic location: 16q24.3.
Variant type: single nucleotide variant.
Coding change: c.886A>G on transcript NM_000135.4 (MANE Select); coding-DNA position 886, A replaced by G.
Protein change: p.Arg296Gly; replaces arginine 296 with glycine.
Molecular consequence: missense variant.
Genome position (GRCh38, 1-based): chr16:89,799,173, T>C on the plus strand (A>G on the coding strand, the complement: FANCA is on the minus strand). VCF-style: chr16-89799173-T-C. GRCh37 (hg19) VCF-style: chr16-89865581-T-C.
Other names: c.886A>G, p.Arg296Gly (NM_001018112.3, NM_001286167.3); c.790A>G, p.Arg264Gly (NM_001351830.2); short protein forms R264G, R296G.
Identifiers: ClinVar variation 5036454 (VCV005036454.1).